The following is an entry in ClinVar:

NM_001184900.3(CARD8):c.1058G>A (p.Arg353His)

Gene: CARD8 (caspase recruitment domain family member 8; minus strand). Cytogenetic location: 19q13.33.
Variant type: single nucleotide variant.
Coding change: c.1058G>A on transcript NM_001184900.3 (MANE Select); coding-DNA position 1058, G replaced by A.
Protein change: p.Arg353His; replaces arginine 353 with histidine.
Molecular consequence: missense variant. On other transcripts: non-coding transcript variant (3).
Genome position (GRCh38, 1-based): chr19:48,221,833, C>T on the plus strand (G>A on the coding strand, the complement: CARD8 is on the minus strand). VCF-style: chr19-48221833-C-T. GRCh37 (hg19) VCF-style: chr19-48725090-C-T.
Other names: c.908G>A, p.Arg303His (NM_001184901.1, NM_001351783.2, NM_001351788.2 and 2 more transcripts); c.1058G>A, p.Arg353His (NM_001184902.2, NM_001184903.1, NM_001351782.2); c.743G>A, p.Arg248His (NM_001351784.2, NM_001351787.2, NM_001351791.2 and 1 more transcripts); c.722G>A, p.Arg241His (NM_001351786.2); c.815G>A, p.Arg272His (NM_001351790.2); c.740G>A, p.Arg247His (NM_001365950.1); short protein forms R247H, R303H, R353H, R241H, R248H, R272H.
Identifiers: ClinVar variation 1426333 (VCV001426333.6), dbSNP rs540915752, ClinGen allele CA406665363.
Genomic context (GRCh38, chr19:48,221,833, plus strand): 5'-CTGGAACCAAAGTTCAGGGGTTCCATTGGGGGCGAAGTCTGCAGGCGCACACCATGGAAG[C>T]GATCTTCCTCATCATCTATCGCCTAAGGAAGAAGGGGCAGAAACATTAGAGAGCACAAAA-3'
Protein context (NP_001171829.1, residues 343-363): LTKAIDDEED[Arg353His]FHGVRLQTSP

ClinVar aggregate classification (germline): Uncertain significance (1 of 4 stars; one submission).

Allele frequency attached by ClinVar (database versions not stated): gnomAD exomes 0.00001.
gnomAD v4.1: 7 of 1,601,960 alleles (0.00044%); highest among the groups gnomAD compares: South Asian, 0.0034%; no homozygotes.

Submission:

Labcorp Genetics (formerly Invitae), Labcorp
Classification: Uncertain significance. Last evaluated: 2021-11-15. Review status: criteria provided, single submitter. Criteria: Invitae Variant Classification Sherloc (09022015). Collection method: clinical testing. Allele origin: germline.
Comment: In summary, the available evidence is currently insufficient to determine the role of this variant in disease. Therefore, it has been classified as a Variant of Uncertain Significance. Algorithms developed to predict the effect of missense changes on protein structure and function output the following: SIFT: "Tolerated"; PolyPhen-2: "Benign"; Align-GVGD: "Class C0". The histidine amino acid residue is found in multiple mammalian species, which suggests that this missense change does not adversely affect protein function. This variant has not been reported in the literature in individuals affected with CARD8-related conditions. This variant is present in population databases (no rsID available, gnomAD 0.007%). This sequence change replaces arginine, which is basic and polar, with histidine, which is basic and polar, at codon 303 of the CARD8 protein (p.Arg303His).